The following is an entry in ClinVar:

ClinVar aggregate classification (germline): Uncertain significance (1 of 4 stars; one submission).

Allele frequency attached by ClinVar (database versions not stated): gnomAD exomes below 0.00001; ExAC 0.00001; gnomAD 0.00001.
gnomAD v4.1: 5 of 1,614,006 alleles (0.00031%); highest among the groups gnomAD compares: Non-Finnish European, 0.00017%; no homozygotes.

Submission:

Labcorp Genetics (formerly Invitae), Labcorp
Classification: Uncertain significance. Last evaluated: 2024-10-08. Review status: criteria provided, single submitter. Criteria: Invitae Variant Classification Sherloc (09022015). Collection method: clinical testing. Allele origin: germline.
Comment: This sequence change replaces glycine, which is neutral and non-polar, with aspartic acid, which is acidic and polar, at codon 344 of the ADNP protein (p.Gly344Asp). This variant is present in population databases (rs761702934, gnomAD 0.004%). This variant has not been reported in the literature in individuals affected with ADNP-related conditions. ClinVar contains an entry for this variant (Variation ID: 2033804). An algorithm developed to predict the effect of missense changes on protein structure and function (PolyPhen-2) suggests that this variant is likely to be tolerated. In summary, the available evidence is currently insufficient to determine the role of this variant in disease. Therefore, it has been classified as a Variant of Uncertain Significance.

NM_001282531.3(ADNP):c.1031G>A (p.Gly344Asp)

Gene: ADNP (activity dependent neuroprotector homeobox; minus strand). Cytogenetic location: 20q13.13.
Variant type: single nucleotide variant.
Coding change: c.1031G>A on transcript NM_001282531.3 (MANE Select); coding-DNA position 1031, G replaced by A.
Protein change: p.Gly344Asp; replaces glycine 344 with aspartic acid.
Molecular consequence: missense variant.
Genome position (GRCh38, 1-based): chr20:50,893,683, C>T on the plus strand (G>A on the coding strand, the complement: ADNP is on the minus strand). VCF-style: chr20-50893683-C-T. GRCh37 (hg19) VCF-style: chr20-49510220-C-T.
Other names: c.1031G>A, p.Gly344Asp (NM_001282532.2, NM_001347511.2, NM_015339.5 and 1 more transcripts); short protein forms G344D.
Identifiers: ClinVar variation 2033804 (VCV002033804.4), dbSNP rs761702934, ClinGen allele CA9908796.